The following is an entry in ClinVar:

NM_001378615.1(CC2D2A):c.113G>A (p.Arg38Lys)

Genes: CC2D2A (coiled-coil and C2 domain containing 2A; plus strand), FBXL5 (F-box and leucine rich repeat protein 5; minus strand). Cytogenetic location: 4p15.32.
Variant type: single nucleotide variant.
Coding change: c.113G>A on transcript NM_001378615.1 (MANE Select); coding-DNA position 113, G replaced by A.
Protein change: p.Arg38Lys; replaces arginine 38 with lysine.
Molecular consequence: missense variant.
Genome position (GRCh38, 1-based): chr4:15,478,796, G>A. VCF-style: chr4-15478796-G-A. GRCh37 (hg19) VCF-style: chr4-15480420-G-A.
Other names: c.113G>A, p.Arg38Lys (NM_001080522.2, NM_001164720.3, NM_020785.2); short protein forms R38K.
Identifiers: ClinVar variation 1382501 (VCV001382501.4), dbSNP rs2108970106, ClinGen allele CA356407222.

ClinVar aggregate classification (germline): Uncertain significance (1 of 4 stars; one submission).

Conditions:
Joubert syndrome. Also called: JOUBERT-BOLTSHAUSER SYNDROME; Familial aplasia of the vermis. Identifiers: Orphanet 475, MedGen C5979921, MONDO:0018772.
Meckel-Gruber syndrome. Also called: DYSENCEPHALIA SPLANCHNOCYSTICA; GRUBER SYNDROME; Dysencephalia splachnocystica. Identifiers: Orphanet 564, MedGen C0265215, MONDO:0018921.

Submission:

Labcorp Genetics (formerly Invitae), Labcorp
Classification: Uncertain significance for Joubert syndrome; Meckel-Gruber syndrome. Last evaluated: 2021-09-20. Review status: criteria provided, single submitter. Criteria: Invitae Variant Classification Sherloc (09022015). Collection method: clinical testing. Allele origin: germline.
Comment: In summary, the available evidence is currently insufficient to determine the role of this variant in disease. Therefore, it has been classified as a Variant of Uncertain Significance. Advanced modeling of protein sequence and biophysical properties (such as structural, functional, and spatial information, amino acid conservation, physicochemical variation, residue mobility, and thermodynamic stability) performed at Invitae indicates that this missense variant is not expected to disrupt CC2D2A protein function. This variant has not been reported in the literature in individuals affected with CC2D2A-related conditions. This variant is not present in population databases (ExAC no frequency). This sequence change replaces arginine with lysine at codon 38 of the CC2D2A protein (p.Arg38Lys). The arginine residue is moderately conserved and there is a small physicochemical difference between arginine and lysine.